The following is an entry in ClinVar:

NM_000551.4(VHL):c.500G>C (p.Arg167Pro)

Genes: VHL (von Hippel-Lindau tumor suppressor; plus strand), LOC107303340 (3p25 von Hippel-Lindau tumor suppressor, E3 ubiquitin protein ligase Alu-mediated recombination region; plus strand). Cytogenetic location: 3p25.3.
Variant type: single nucleotide variant.
Coding change: c.500G>C on transcript NM_000551.4 (MANE Select); coding-DNA position 500, G replaced by C.
Protein change: p.Arg167Pro; replaces arginine 167 with proline.
Molecular consequence: missense variant. On other transcripts: 3 prime UTR variant (1).
Genome position (GRCh38, 1-based): chr3:10,149,823, G>C. VCF-style: chr3-10149823-G-C. GRCh37 (hg19) VCF-style: chr3-10191507-G-C.
Other names: c.*54G>C (NM_001354723.2); c.377G>C, p.Arg126Pro (NM_198156.3); short protein forms R167P, R126P.
Identifiers: ClinVar variation 428799 (VCV000428799.8), dbSNP rs5030821, ClinGen allele CA351756177.

ClinVar aggregate classification (germline): Pathogenic/Likely pathogenic. Review status: criteria provided, multiple submitters, no conflicts (2 of 4 stars). 3 submissions from 3 submitters: Pathogenic (2); Likely pathogenic (1). Last evaluated 2026-01-18.

Conditions:
Von Hippel-Lindau syndrome (VHLS). Also called: von Hippel–Lindau syndrome; Von Hippel-Lindau; VHL syndrome. Identifiers: Orphanet 892, MedGen C0019562, MONDO:0008667, OMIM 193300. Disease mechanism: loss of function.
Chuvash polycythemia. Also called: POLYCYTHEMIA, VHL-DEPENDENT. Identifiers: Orphanet 238557, MedGen C1837915, MONDO:0009892, OMIM 263400.
Hereditary cancer-predisposing syndrome. Also called: Hereditary neoplastic syndrome; Tumor predisposition; Neoplastic Syndromes, Hereditary; Hereditary Cancer Syndrome. Identifiers: Orphanet 140162, MedGen C0027672, MeSH D009386, MONDO:0015356.

Submissions (3):

Labcorp Genetics (formerly Invitae), Labcorp
Classification: Pathogenic for Von Hippel-Lindau syndrome; Chuvash polycythemia. Last evaluated: 2026-01-18. Review status: criteria provided, single submitter. Criteria: Invitae Variant Classification Sherloc (09022015). Collection method: clinical testing. Allele origin: germline.
Comment: This sequence change replaces arginine, which is basic and polar, with proline, which is neutral and non-polar, at codon 167 of the VHL protein (p.Arg167Pro). This variant is not present in population databases (gnomAD no frequency). This missense change has been observed in individuals with von Hippel-Lindau syndrome (PMID: 28388566; internal data). ClinVar contains an entry for this variant (Variation ID: 428799). Invitae Evidence Modeling of protein sequence and biophysical properties (such as structural, functional, and spatial information, amino acid conservation, physicochemical variation, residue mobility, and thermodynamic stability) indicates that this missense variant is expected to disrupt VHL protein function with a positive predictive value of 95%. This variant disrupts the p.Arg167 amino acid residue in VHL. Other variant(s) that disrupt this residue have been determined to be pathogenic (PMID: 7987306, 8956040, 10567493, 12000816, 15300849, 19464396). This suggests that this residue is clinically significant, and that variants that disrupt this residue are likely to be disease-causing. For these reasons, this variant has been classified as Pathogenic.

Ambry Genetics
Classification: Pathogenic for Hereditary cancer-predisposing syndrome. Last evaluated: 2024-07-03. Review status: criteria provided, single submitter. Criteria: Ambry Variant Classification Scheme 2023. Collection method: clinical testing. Allele origin: germline.
Comment: The p.R167P pathogenic mutation (also known as c.500G>C), located in coding exon 3 of the VHL gene, results from a G to C substitution at nucleotide position 500. The arginine at codon 167 is replaced by proline, an amino acid with dissimilar properties. This mutation has been identified in multiple von Hippel-Lindau disease cohorts (Bausch B et al. Head Neck, 2016 Apr;38 Suppl 1:E673-9; Jonasch E et al. Ann. Oncol., 2011 Dec;22:2661-6; Peng S et al. Oncotarget, 2017 Jun;8:38456-38465). In addition, several other mutations affecting codon 167 have been chacterized in VHL patients (Ong KR et al. Hum. Mutat., 2007 Feb;28:143-9; Crossey PA et al. Hum. Mol. Genet., 1994 Aug;3:1303-8). This amino acid position is highly conserved in available vertebrate species. In addition, this alteration is predicted to be deleterious by in silico analysis. Based on the supporting evidence, this alteration is interpreted as a disease-causing mutation.

Genomic Diagnostic Laboratory, Division of Genomic Diagnostics, Children's Hospital of Philadelphia
Classification: Likely pathogenic for von Hippel-Lindau syndrome. Last evaluated: 2018-08-01. Review status: criteria provided, single submitter. Criteria: DGD Variant Analysis Guidelines. Collection method: clinical testing. Allele origin: germline. Affected: yes. Observed: 2 variant alleles.

Literature cited by the submitters: PubMed 28388566 (cited by Labcorp Genetics (formerly Invitae), Labcorp and Ambry Genetics); PubMed 7987306 (cited by Labcorp Genetics (formerly Invitae), Labcorp and Ambry Genetics); PubMed 8956040 (cited by Labcorp Genetics (formerly Invitae), Labcorp); PubMed 10567493 (cited by Labcorp Genetics (formerly Invitae), Labcorp); PubMed 12000816 (cited by Labcorp Genetics (formerly Invitae), Labcorp); PubMed 15300849 (cited by Labcorp Genetics (formerly Invitae), Labcorp); PubMed 19464396 (cited by Labcorp Genetics (formerly Invitae), Labcorp); PubMed 17024664 (cited by Ambry Genetics); PubMed 22105611 (cited by Ambry Genetics); PubMed 25867206 (cited by Ambry Genetics).